The following is an entry in ClinVar:

NM_021930.6(RINT1):c.724C>T (p.Pro242Ser)

Gene: RINT1 (RAD50 interactor 1; plus strand). Cytogenetic location: 7q22.3.
Variant type: single nucleotide variant.
Coding change: c.724C>T on transcript NM_021930.6 (MANE Select); coding-DNA position 724, C replaced by T.
Protein change: p.Pro242Ser; replaces proline 242 with serine.
Molecular consequence: missense variant. On other transcripts: 5 prime UTR variant (2), non-coding transcript variant (1), intron variant (1).
Genome position (GRCh38, 1-based): chr7:105,547,218, C>T. VCF-style: chr7-105547218-C-T. GRCh37 (hg19) VCF-style: chr7-105187665-C-T.
Other names: c.490C>T, p.Pro164Ser (NM_001346599.2); c.-296C>T (NM_001346600.2); c.-199C>T (NM_001346601.2); c.-27-2837C>T (NM_001346603.2); short protein forms P164S, P242S.
Identifiers: ClinVar variation 4863329 (VCV004863329.1).

ClinVar aggregate classification (germline): Uncertain significance (1 of 4 stars; one submission).

gnomAD v4.1: 1 of 1,614,142 alleles (0.000062%); highest among the groups gnomAD compares: South Asian, 0.0011%; no homozygotes.

Submission:

Ambry Genetics
Classification: Uncertain significance. Last evaluated: 2026-04-12. Review status: criteria provided, single submitter. Criteria: Ambry Variant Classification Scheme 2023. Collection method: clinical testing. Allele origin: germline.
Comment: The p.P242S variant (also known as c.724C>T), located in coding exon 6 of the RINT1 gene, results from a C to T substitution at nucleotide position 724. The proline at codon 242 is replaced by serine, an amino acid with similar properties. This amino acid position is conserved. In addition, this alteration is predicted to be deleterious by in silico analysis. Based on the available evidence, the clinical significance of this variant remains unclear.